The following is an entry in ClinVar:

ClinVar aggregate classification (germline): Likely benign (1 of 4 stars; one submission).

Allele frequency attached by ClinVar (database versions not stated): gnomAD exomes 0.00001.
gnomAD v4.1: 8 of 1,598,782 alleles (0.0005%); highest among the groups gnomAD compares: Non-Finnish European, 0.00069%; no homozygotes.

Submission:

GeneDx
Classification: Likely benign. Last evaluated: 2016-08-03. Review status: criteria provided, single submitter. Criteria: GeneDx Variant Classification (06012015). Collection method: clinical testing. Allele origin: germline. Affected: yes.
Comment: This variant is considered likely benign or benign based on one or more of the following criteria: it is a conservative change, it occurs at a poorly conserved position in the protein, it is predicted to be benign by multiple in silico algorithms, and/or has population frequency not consistent with disease.

NM_130837.3(OPA1):c.1871-19A>C

Gene: OPA1 (OPA1 mitochondrial dynamin like GTPase; plus strand). Cytogenetic location: 3q29.
Variant type: single nucleotide variant.
Coding change: c.1871-19A>C on transcript NM_130837.3 (MANE Select); 19 bases into the intron before coding-DNA position 1871, A replaced by C.
Molecular consequence: intron variant.
Genome position (GRCh38, 1-based): chr3:193,648,051, A>C. VCF-style: chr3-193648051-A-C. GRCh37 (hg19) VCF-style: chr3-193365840-A-C.
Other names: c.1334-19A>C (NM_001354664.2); c.1337-19A>C (NM_001354663.2); c.1760-19A>C (NM_130834.3); c.1817-19A>C (NM_130836.3); c.1706-19A>C (NM_015560.3); c.1763-19A>C (NM_130835.3); c.1652-19A>C (NM_130832.3); c.1709-19A>C (NM_130833.3); and 1 more.
Identifiers: ClinVar variation 387974 (VCV000387974.1), dbSNP rs1057522968, ClinGen allele CA16604400.